The following is an entry in ClinVar:

NM_000302.4(PLOD1):c.872G>A (p.Gly291Asp)

Gene: PLOD1 (procollagen-lysine,2-oxoglutarate 5-dioxygenase 1; plus strand). Cytogenetic location: 1p36.22.
Variant type: single nucleotide variant.
Coding change: c.872G>A on transcript NM_000302.4 (MANE Select); coding-DNA position 872, G replaced by A.
Protein change: p.Gly291Asp; replaces glycine 291 with aspartic acid.
Molecular consequence: missense variant.
Genome position (GRCh38, 1-based): chr1:11,958,544, G>A. VCF-style: chr1-11958544-G-A. GRCh37 (hg19) VCF-style: chr1-12018601-G-A.
Other names: c.1013G>A, p.Gly338Asp (NM_001316320.2); short protein forms G338D, G291D.
Identifiers: ClinVar variation 1525075 (VCV001525075.8), dbSNP rs1394486748, ClinGen allele CA338433806.

ClinVar aggregate classification (germline): Uncertain significance (1 of 4 stars; one submission).

Conditions:
Ehlers-Danlos syndrome, kyphoscoliotic type 1 (EDSKSCL1). Also called: Ehlers-Danlos syndrome, hydroxylysine-deficient; PLOD1-Related Kyphoscoliotic Ehlers-Danlos Syndrome; EHLERS-DANLOS SYNDROME, TYPE VIA; EHLERS-DANLOS SYNDROME, OCULAR-SCOLIOTIC TYPE. Identifiers: Orphanet 1900, MedGen C0268342, MONDO:0016002, OMIM 225400. Disease mechanism: loss of function.

Submission:

Labcorp Genetics (formerly Invitae), Labcorp
Classification: Uncertain significance for Ehlers-Danlos syndrome, kyphoscoliotic type 1. Last evaluated: 2021-07-09. Review status: criteria provided, single submitter. Criteria: Invitae Variant Classification Sherloc (09022015). Collection method: clinical testing. Allele origin: germline.
Comment: This variant is not present in population databases (ExAC no frequency). This sequence change replaces glycine with aspartic acid at codon 291 of the PLOD1 protein (p.Gly291Asp). The glycine residue is highly conserved and there is a moderate physicochemical difference between glycine and aspartic acid. This variant has not been reported in the literature in individuals with PLOD1-related conditions. Algorithms developed to predict the effect of missense changes on protein structure and function are either unavailable or do not agree on the potential impact of this missense change (SIFT: "Tolerated"; PolyPhen-2: "Possibly Damaging"; Align-GVGD: "Class C0"). In summary, the available evidence is currently insufficient to determine the role of this variant in disease. Therefore, it has been classified as a Variant of Uncertain Significance.